The following is an entry in ClinVar:

ClinVar aggregate classification (germline): Uncertain significance (1 of 4 stars; one submission).

Conditions:
Norman-Roberts syndrome (LIS2). Also called: Lissencephaly 2 (Norman-Roberts type). Identifiers: Orphanet 89844, MedGen C0796089, MONDO:0009760, OMIM 257320.
Familial temporal lobe epilepsy 7. Identifiers: Orphanet 101046, MedGen C4225327, MONDO:0014639, OMIM 616436.

Allele frequency attached by ClinVar (database versions not stated): gnomAD exomes below 0.00001.
gnomAD v4.1: 2 of 1,613,768 alleles (0.00012%); highest among the groups gnomAD compares: Non-Finnish European, 0.00017%; no homozygotes.

Submission:

Labcorp Genetics (formerly Invitae), Labcorp
Classification: Uncertain significance for Familial temporal lobe epilepsy 7; Norman-Roberts syndrome. Last evaluated: 2022-09-13. Review status: criteria provided, single submitter. Criteria: Invitae Variant Classification Sherloc (09022015). Collection method: clinical testing. Allele origin: germline.
Comment: This sequence change replaces isoleucine, which is neutral and non-polar, with threonine, which is neutral and polar, at codon 438 of the RELN protein (p.Ile438Thr). This variant is present in population databases (no rsID available, gnomAD 0.0009%). This variant has not been reported in the literature in individuals affected with RELN-related conditions. ClinVar contains an entry for this variant (Variation ID: 1056897). Advanced modeling of protein sequence and biophysical properties (such as structural, functional, and spatial information, amino acid conservation, physicochemical variation, residue mobility, and thermodynamic stability) performed at Invitae indicates that this missense variant is not expected to disrupt RELN protein function. In summary, the available evidence is currently insufficient to determine the role of this variant in disease. Therefore, it has been classified as a Variant of Uncertain Significance.

NM_005045.4(RELN):c.1313T>C (p.Ile438Thr)

Genes: RELN (reelin; minus strand), LOC126860131 (MED14-independent group 3 enhancer GRCh37_chr7:103301048-103302247; plus strand). Cytogenetic location: 7q22.1.
Variant type: single nucleotide variant.
Coding change: c.1313T>C on transcript NM_005045.4 (MANE Select); coding-DNA position 1313, T replaced by C.
Protein change: p.Ile438Thr; replaces isoleucine 438 with threonine.
Molecular consequence: missense variant.
Genome position (GRCh38, 1-based): chr7:103,661,504, A>G on the plus strand (T>C on the coding strand, the complement: RELN is on the minus strand). VCF-style: chr7-103661504-A-G. GRCh37 (hg19) VCF-style: chr7-103301951-A-G.
Other names: c.1313T>C, p.Ile438Thr (NM_173054.3); short protein forms I438T.
Identifiers: ClinVar variation 1056897 (VCV001056897.9), dbSNP rs1463687606, ClinGen allele CA368768279.